The following is an entry in ClinVar:

ClinVar aggregate classification (germline): Conflicting classifications of pathogenicity. Review status: criteria provided, conflicting classifications (1 of 4 stars). 3 submissions from 3 submitters: Uncertain significance (2); Likely benign (1). Last evaluated 2024-08-17.

Conditions:
Epidermolysis bullosa simplex 5C, with pyloric atresia (EBS5C). Also called: PLEC-Related Epidermolysis Bullosa with Pyloric Atresia; Epidermolysis bullosa simplex with pyloric atresia; PLEC1-Related Epidermolysis Bullosa with Pyloric Atresia. Identifiers: Orphanet 158684, MedGen C2677349, MONDO:0012807, OMIM 612138.
Autosomal recessive limb-girdle muscular dystrophy type 2Q (LGMDR17). Also called: MUSCULAR DYSTROPHY, LIMB-GIRDLE, AUTOSOMAL RECESSIVE 17. Identifiers: Orphanet 254361, MedGen C3150989, MONDO:0013390, OMIM 613723.
Epidermolysis bullosa simplex 5B, with muscular dystrophy (EBS5B). Also called: EPIDERMOLYSIS BULLOSA SIMPLEX AND LIMB-GIRDLE MUSCULAR DYSTROPHY; Epidermolysis bullosa simplex with muscular dystrophy. Identifiers: Orphanet 257, MedGen C2931072, MONDO:0009181, OMIM 226670.
Epidermolysis bullosa simplex, Ogna type (EBS5A). Also called: Pidermolysis bullosa simplex 5A, Ogna type; EPIDERMOLYSIS BULLOSA SIMPLEX 5A, OGNA TYPE. Identifiers: Orphanet 79401, MedGen C0432317, MONDO:0007555, OMIM 131950.
Epidermolysis bullosa simplex with nail dystrophy (EBS5D). Identifiers: MedGen C4225309, MONDO:0014661, OMIM 616487.

Allele frequency attached by ClinVar (database versions not stated): ExAC 0.00002; TOPMed 0.00003.
gnomAD v4.1: 58 of 1,612,932 alleles (0.0036%); highest among the groups gnomAD compares: Middle Eastern, 0.016%; no homozygotes.

Submissions (3):

Labcorp Genetics (formerly Invitae), Labcorp
Classification: Uncertain significance for Autosomal recessive limb-girdle muscular dystrophy type 2Q; Epidermolysis bullosa simplex, Ogna type; Epidermolysis bullosa simplex with nail dystrophy; Epidermolysis bullosa simplex 5C, with pyloric atresia; Epidermolysis bullosa simplex 5B, with muscular dystrophy. Last evaluated: 2024-08-17. Review status: criteria provided, single submitter. Criteria: Invitae Variant Classification Sherloc (09022015). Collection method: clinical testing. Allele origin: germline.
Comment: This sequence change replaces valine, which is neutral and non-polar, with methionine, which is neutral and non-polar, at codon 3719 of the PLEC protein (p.Val3719Met). This variant is present in population databases (rs201892506, gnomAD 0.02%). This variant has not been reported in the literature in individuals affected with PLEC-related conditions. ClinVar contains an entry for this variant (Variation ID: 2150619). An algorithm developed to predict the effect of missense changes on protein structure and function (PolyPhen-2) suggests that this variant is likely to be disruptive. In summary, the available evidence is currently insufficient to determine the role of this variant in disease. Therefore, it has been classified as a Variant of Uncertain Significance.

Blueprint Genetics
Classification: Likely benign. Last evaluated: 2023-10-18. Review status: criteria provided, single submitter. Criteria: ACMG Guidelines, 2015. Collection method: clinical testing. Allele origin: germline.

Revvity Omics, Revvity
Classification: Uncertain significance. Last evaluated: 2022-08-16. Review status: criteria provided, single submitter. Criteria: ACMG Guidelines, 2015. Collection method: clinical testing. Allele origin: germline.

NM_201384.3(PLEC):c.11074G>A (p.Val3692Met)

Gene: PLEC (plectin; minus strand). Cytogenetic location: 8q24.3.
Variant type: single nucleotide variant.
Coding change: c.11074G>A on transcript NM_201384.3 (MANE Select); coding-DNA position 11074, G replaced by A.
Protein change: p.Val3692Met; replaces valine 3692 with methionine.
Molecular consequence: missense variant.
Genome position (GRCh38, 1-based): chr8:143,918,747, C>T on the plus strand (G>A on the coding strand, the complement: PLEC is on the minus strand). VCF-style: chr8-143918747-C-T. GRCh37 (hg19) VCF-style: chr8-144992915-C-T.
Other names: c.11155G>A, p.Val3719Met (NM_000445.5); c.7774G>A, p.Val2592Met (NM_001410941.1); c.11032G>A, p.Val3678Met (NM_201378.4); c.11008G>A, p.Val3670Met (NM_201379.3); c.11485G>A, p.Val3829Met (NM_201380.4); c.10978G>A, p.Val3660Met (NM_201381.3); c.11074G>A, p.Val3692Met (NM_201382.4); c.11086G>A, p.Val3696Met (NM_201383.3); short protein forms V3670M, V3678M, V3719M, V2592M, V3660M, V3829M, V3692M, V3696M.
Identifiers: ClinVar variation 2150619 (VCV002150619.8), dbSNP rs201892506, ClinGen allele CA4924443.